The following is an entry in ClinVar:

NM_001098.3(ACO2):c.1969T>G (p.Trp657Gly)

Genes: ACO2 (aconitase 2; plus strand), POLR3H (RNA polymerase III subunit H; minus strand). Cytogenetic location: 22q13.2.
Variant type: single nucleotide variant.
Coding change: c.1969T>G on transcript NM_001098.3 (MANE Select); coding-DNA position 1969, T replaced by G.
Protein change: p.Trp657Gly; replaces tryptophan 657 with glycine.
Molecular consequence: missense variant. On other transcripts: 3 prime UTR variant (5).
Genome position (GRCh38, 1-based): chr22:41,527,303, T>G. VCF-style: chr22-41527303-T-G. GRCh37 (hg19) VCF-style: chr22-41923307-T-G.
Other names: c.*1980A>C (NM_001018050.4, NM_001018052.4, NM_001282884.2 and 2 more transcripts); short protein forms W657G.
Identifiers: ClinVar variation 4745604 (VCV004745604.1).

ClinVar aggregate classification (germline): Uncertain significance (1 of 4 stars; one submission).

Submission:

Labcorp Genetics (formerly Invitae), Labcorp
Classification: Uncertain significance. Last evaluated: 2025-05-17. Review status: criteria provided, single submitter. Criteria: Invitae Variant Classification Sherloc (09022015). Collection method: clinical testing. Allele origin: germline.
Comment: This sequence change replaces tryptophan, which is neutral and slightly polar, with glycine, which is neutral and non-polar, at codon 657 of the ACO2 protein (p.Trp657Gly). This variant is not present in population databases (gnomAD no frequency). This variant has not been reported in the literature in individuals affected with ACO2-related conditions. Invitae Evidence Modeling of protein sequence and biophysical properties (such as structural, functional, and spatial information, amino acid conservation, physicochemical variation, residue mobility, and thermodynamic stability) indicates that this missense variant is expected to disrupt ACO2 protein function with a positive predictive value of 80%. In summary, the available evidence is currently insufficient to determine the role of this variant in disease. Therefore, it has been classified as a Variant of Uncertain Significance.